The following is an entry in ClinVar:

NM_000051.4(ATM):c.4258C>T (p.Leu1420Phe)

Gene: ATM (ATM serine/threonine kinase; plus strand). Cytogenetic location: 11q22.3.
Variant type: single nucleotide variant.
Coding change: c.4258C>T on transcript NM_000051.4 (MANE Select); coding-DNA position 4258, C replaced by T.
Protein change: p.Leu1420Phe; replaces leucine 1420 with phenylalanine.
Molecular consequence: missense variant.
Genome position (GRCh38, 1-based): chr11:108,289,623, C>T. VCF-style: chr11-108289623-C-T. GRCh37 (hg19) VCF-style: chr11-108160350-C-T.
Other names: p.L1420F:CTT>TTT; NP_000042.3:p.Leu1420Phe; c.4258C>T, p.Leu1420Phe (NM_001351834.2); short protein forms L1420F.
Identifiers: ClinVar variation 128456 (VCV000128456.59), dbSNP rs1800058, ClinGen allele CA248696.

ClinVar aggregate classification (germline): Benign/Likely benign. Review status: criteria provided, multiple submitters, no conflicts (2 of 4 stars). 29 submissions from 29 submitters: Benign (15); Likely benign (4). 10 of the submissions do not count toward it. Last evaluated 2026-02-04.

Conditions:
Breast and/or ovarian cancer. Identifiers: MedGen CN221562.
Hereditary breast ovarian cancer syndrome. Also called: Hereditary breast and ovarian cancer syndrome; Hereditary breast and ovarian cancer syndrome (HBOC); Breast and ovarian cancer; BRCA1- and BRCA2-Associated Hereditary Breast and Ovarian Cancer; Hereditary breast and ovarian cancer; Hereditary breast and/or ovarian cancer syndrome. Identifiers: Orphanet 145, MedGen C0677776, MeSH D061325, MONDO:0003582. Disease mechanism: loss of function.
Ataxia-telangiectasia syndrome (AT). Also called: Cerebello-oculocutaneous telangiectasia; Immunodeficiency with ataxia telangiectasia; Ataxia-telangiectasia; LOUIS-BAR SYNDROME; Ataxia telangiectasia (A-T); Ataxia-telangiectasia, complementation group D. Identifiers: Orphanet 100, MedGen C0004135, MONDO:0008840, OMIM 208900.
Malignant tumor of breast. Also called: Malignant breast neoplasm; Cancer breast. Identifiers: MedGen C0006142, MONDO:0007254. Disease mechanism: loss of function.
Familial cancer of breast. Also called: hereditary breast carcinoma; Hereditary breast cancer; BREAST CANCER, FAMILIAL. Identifiers: Orphanet 227535, MedGen C0346153, MONDO:0016419, OMIM 114480. Disease mechanism: loss of function.
Hereditary cancer-predisposing syndrome. Also called: Tumor predisposition; Hereditary neoplastic syndrome; Neoplastic Syndromes, Hereditary; Hereditary Cancer Syndrome. Identifiers: Orphanet 140162, MedGen C0027672, MeSH D009386, MONDO:0015356.

Allele frequency attached by ClinVar (database versions not stated): 1000 Genomes Project 0.00619; 1000 Genomes Project 30x 0.00671; TOPMed 0.01077; gnomAD exomes 0.01104 and 0.01690; gnomAD 0.01106 and 0.01150; ExAC 0.01271; ESP Exome Variant Server 0.01302.
gnomAD v4.1: 26,056 of 1,605,174 alleles (1.6%); highest among the groups gnomAD compares: Non-Finnish European, 2%; 265 homozygotes.

Submissions 1 to 25 of 29:

Labcorp Genetics (formerly Invitae), Labcorp
Classification: Benign for Ataxia-telangiectasia syndrome. Last evaluated: 2026-02-04. Review status: criteria provided, single submitter. Criteria: Invitae Variant Classification Sherloc (09022015). Collection method: clinical testing. Allele origin: germline.

Athena Diagnostics
Classification: Benign. Last evaluated: 2025-10-28. Review status: criteria provided, single submitter. Criteria: Athena Diagnostics Criteria. Collection method: clinical testing. Allele origin: unknown.
Comment: The frequency of this variant in the general population is higher than would generally be expected for pathogenic variants in this gene. Computational tools predict this amino acid change may be benign.

ARUP Laboratories, Molecular Genetics and Genomics, ARUP Laboratories
Classification: Benign. Last evaluated: 2025-07-09. Review status: criteria provided, single submitter. Criteria: ARUP Molecular Germline Variant Investigation Process 2024. Collection method: clinical testing. Allele origin: germline.

Center for Genomic Medicine, Rigshospitalet, Copenhagen University Hospital
Classification: Benign. Last evaluated: 2025-03-04. Review status: criteria provided, single submitter. Criteria: ACMG Guidelines, 2015. Collection method: clinical testing. Allele origin: germline.

Blueprint Genetics
Classification: Likely benign. Last evaluated: 2024-11-27. Review status: criteria provided, single submitter. Criteria: ACMG Guidelines, 2015. Collection method: clinical testing. Allele origin: germline.

Myriad Genetics, Inc.
Classification: Benign for Familial cancer of breast. Last evaluated: 2024-05-17. Review status: criteria provided, single submitter. Criteria: Myriad Autosomal Dominant, Autosomal Recessive and X-Linked Classification Criteria (2023). Collection method: clinical testing. Allele origin: unknown.
Comment: This variant is considered benign. This variant has been observed at a population frequency that is significantly greater than expected given the associated disease prevalence and penetrance.

Mayo Clinic Laboratories, Mayo Clinic
Classification: Benign. Last evaluated: 2022-07-19. Review status: criteria provided, single submitter. Criteria: ACMG Guidelines, 2015. Collection method: clinical testing. Allele origin: germline. Observed: 109 variant alleles.
Comment: BA1, BP4

National Health Laboratory Service, Universitas Academic Hospital and University of the Free State
Classification: Benign for Hereditary breast ovarian cancer syndrome. Last evaluated: 2022-04-19. Review status: criteria provided, single submitter. Criteria: ACMG Guidelines, 2015. Collection method: clinical testing. Allele origin: germline. Affected: yes. Observed: 2 variant alleles.

Ambry Genetics
Classification: Benign for Hereditary cancer-predisposing syndrome. Last evaluated: 2022-01-05. Review status: criteria provided, single submitter. Criteria: Ambry Variant Classification Scheme 2023. Collection method: clinical testing. Allele origin: germline.

CHEO Genetics Diagnostic Laboratory, Children's Hospital of Eastern Ontario
Classification: Benign for Breast and/or ovarian cancer. Last evaluated: 2019-05-07. Review status: criteria provided, single submitter. Criteria: ACMG Guidelines, 2015. Collection method: clinical testing. Allele origin: germline.

Institute for Biomarker Research, Medical Diagnostic Laboratories, L.L.C.
Classification: Likely benign for Hereditary cancer-predisposing syndrome. Last evaluated: 2018-05-23. Review status: criteria provided, single submitter. Criteria: ACMG Guidelines, 2015. Collection method: clinical testing. Allele origin: germline.

Illumina Laboratory Services, Illumina
Classification: Likely benign for Ataxia-telangiectasia syndrome. Last evaluated: 2017-04-27. Review status: criteria provided, single submitter. Criteria: ICSL Variant Classification Criteria 13 December 2019. Collection method: clinical testing. Allele origin: germline.
Comment: This variant was observed as part of a predisposition screen in an ostensibly healthy population. A literature search was performed for the gene, cDNA change, and amino acid change (where applicable). Publications were found based on this search. The evidence from the literature, in combination with allele frequency data from public databases where available, was sufficient to determine this variant is unlikely to cause disease. Therefore, this variant is classified as likely benign.

Vantari Genetics
Classification: Benign for Hereditary cancer-predisposing syndrome. Last evaluated: 2016-02-03. Review status: criteria provided, single submitter. Criteria: ACMG Guidelines, 2015. Collection method: clinical testing. Allele origin: germline.

Genomic Diagnostic Laboratory, Division of Genomic Diagnostics, Children's Hospital of Philadelphia
Classification: Benign. Last evaluated: 2015-07-15. Review status: criteria provided, single submitter. Criteria: DGD Variant Analysis Guidelines. Collection method: clinical testing. Allele origin: unknown.

Eurofins Ntd Llc (ga)
Classification: Benign. Last evaluated: 2015-06-16. Review status: criteria provided, single submitter. Criteria: EGL Classification Definitions 2015. Collection method: clinical testing. Allele origin: germline. Observed: 1 variant allele, 1 heterozygote.

Color Diagnostics, LLC DBA Color Health
Classification: Benign for Hereditary cancer-predisposing syndrome. Last evaluated: 2014-11-24. Review status: criteria provided, single submitter. Criteria: ACMG Guidelines, 2015. Collection method: clinical testing. Allele origin: germline.

Genome Diagnostics Laboratory, University Medical Center Utrecht
Classification: Likely benign for Ataxia-telangiectasia syndrome. Last evaluated: 2014-10-09. Review status: criteria provided, single submitter. Criteria: ACGS Guidelines, 2013. Collection method: clinical testing. Allele origin: germline. Affected: yes. Study: VKGL Data-share Consensus.

GeneDx
Classification: Benign. Last evaluated: 2013-10-15. Review status: criteria provided, single submitter. Criteria: GeneDx Variant Classification (06012015). Collection method: clinical testing. Allele origin: germline. Affected: yes.
Comment: This variant is considered likely benign or benign based on one or more of the following criteria: it is a conservative change, it occurs at a poorly conserved position in the protein, it is predicted to be benign by multiple in silico algorithms, and/or has population frequency not consistent with disease.

PreventionGenetics, part of Exact Sciences
Classification: Benign. Review status: criteria provided, single submitter. Criteria: ACMG Guidelines, 2015. Collection method: clinical testing. Allele origin: germline.

True Health Diagnostics
Classification: Benign for Hereditary cancer-predisposing syndrome. Last evaluated: 2018-02-20. Review status: no assertion criteria provided. Collection method: clinical testing. Allele origin: germline. Not counted in ClinVar's aggregate classification.

Genome Diagnostics Laboratory, Amsterdam University Medical Center
Classification: Benign for Ataxia-telangiectasia syndrome. Last evaluated: 2015-10-05. Review status: no assertion criteria provided. Criteria: ACGS Guidelines, 2013. Collection method: clinical testing. Allele origin: germline. Affected: yes. Study: VKGL Data-share Consensus. Not counted in ClinVar's aggregate classification.

ITMI
No classification provided. Condition: AllHighlyPenetrant. Last evaluated: 2013-09-19. Review status: no classification provided. Collection method: reference population. Allele origin: germline. Not counted in ClinVar's aggregate classification.
Comment: Please see associated publication for description of ethnicities

Clinical Genetics DNA and cytogenetics Diagnostics Lab, Erasmus MC, Erasmus Medical Center
Classification: Benign. Review status: no assertion criteria provided. Collection method: clinical testing. Allele origin: germline. Affected: yes. Study: VKGL Data-share Consensus. Not counted in ClinVar's aggregate classification.

Clinical Genetics Laboratory, Department of Pathology, Netherlands Cancer Institute
Classification: Benign. Review status: no assertion criteria provided. Collection method: clinical testing. Allele origin: germline. Affected: yes. Study: VKGL Data-share Consensus. Not counted in ClinVar's aggregate classification.

Clinical Genetics, Academic Medical Center
Classification: Benign. Review status: no assertion criteria provided. Collection method: clinical testing. Allele origin: germline. Affected: yes. Study: VKGL Data-share Consensus. Not counted in ClinVar's aggregate classification.